The following is an entry in ClinVar:

NM_015909.4(NBAS):c.1173A>G (p.Ile391Met)

Gene: NBAS (NBAS subunit of NRZ tethering complex; minus strand). Cytogenetic location: 2p24.3.
Variant type: single nucleotide variant.
Coding change: c.1173A>G on transcript NM_015909.4 (MANE Select); coding-DNA position 1173, A replaced by G.
Protein change: p.Ile391Met; replaces isoleucine 391 with methionine.
Molecular consequence: missense variant. On other transcripts: non-coding transcript variant (1).
Genome position (GRCh38, 1-based): chr2:15,475,855, T>C on the plus strand (A>G on the coding strand, the complement: NBAS is on the minus strand). VCF-style: chr2-15475855-T-C. GRCh37 (hg19) VCF-style: chr2-15615979-T-C.
Other names: c.1173A>G (NM_015909.2); short protein forms I391M.
Identifiers: ClinVar variation 1967137 (VCV001967137.3), dbSNP rs543424467, ClinGen allele CA1536746.

ClinVar aggregate classification (germline): Uncertain significance. Review status: criteria provided, multiple submitters, no conflicts (2 of 4 stars). 2 submissions from 2 submitters: Uncertain significance (2). Last evaluated 2025-01-02.

Conditions:
Inborn genetic diseases. Identifiers: MedGen C0950123, MeSH D030342.

Allele frequency attached by ClinVar (database versions not stated): ExAC 0.00001; gnomAD exomes 0.00001; TOPMed 0.00001; gnomAD 0.00003.
gnomAD v4.1: 15 of 1,613,670 alleles (0.00093%); highest among the groups gnomAD compares: Admixed American, 0.0017%; no homozygotes.

Submissions (2):

Ambry Genetics
Classification: Uncertain significance for Inborn genetic diseases. Last evaluated: 2025-01-02. Review status: criteria provided, single submitter. Criteria: Ambry Variant Classification Scheme 2023. Collection method: clinical testing. Allele origin: germline.

Labcorp Genetics (formerly Invitae), Labcorp
Classification: Uncertain significance. Last evaluated: 2022-05-06. Review status: criteria provided, single submitter. Criteria: Invitae Variant Classification Sherloc (09022015). Collection method: clinical testing. Allele origin: germline.
Comment: This sequence change replaces isoleucine, which is neutral and non-polar, with methionine, which is neutral and non-polar, at codon 391 of the NBAS protein (p.Ile391Met). This variant is present in population databases (rs543424467, gnomAD 0.004%). This variant has not been reported in the literature in individuals affected with NBAS-related conditions. Algorithms developed to predict the effect of missense changes on protein structure and function are either unavailable or do not agree on the potential impact of this missense change (SIFT: "Deleterious"; PolyPhen-2: "Benign"; Align-GVGD: "Class C0"). In summary, the available evidence is currently insufficient to determine the role of this variant in disease. Therefore, it has been classified as a Variant of Uncertain Significance.